The following is an entry in ClinVar:

NM_022726.4(ELOVL4):c.7C>G (p.Leu3Val)

Gene: ELOVL4 (ELOVL fatty acid elongase 4; minus strand). Cytogenetic location: 6q14.1.
Variant type: single nucleotide variant.
Coding change: c.7C>G on transcript NM_022726.4 (MANE Select); coding-DNA position 7, C replaced by G.
Protein change: p.Leu3Val; replaces leucine 3 with valine.
Molecular consequence: missense variant.
Genome position (GRCh38, 1-based): chr6:79,947,273, G>C on the plus strand (C>G on the coding strand, the complement: ELOVL4 is on the minus strand). VCF-style: chr6-79947273-G-C. GRCh37 (hg19) VCF-style: chr6-80656990-G-C.
Other names: c.7C>G (NM_022726.3); short protein forms L3V.
Identifiers: ClinVar variation 1471080 (VCV001471080.7), dbSNP rs774532691, ClinGen allele CA142273719.
Genomic context (GRCh38, chr6:79,947,273, plus strand): 5'-CCGTGTCGTTGAGTGCCGTGGACACTACGTTTAGGACACTACCCGGCTCCGAGTCCAGGA[G>C]CCCCATCGCGGCGATGAGCGGGCGCTGGCGGCAGGAGAAAGCGGAGACCCAGAGAGAGGG-3'
Protein context (NP_073563.1, residues 1-13): MG[Leu3Val]LDSEPGSVLN

ClinVar aggregate classification (germline): Uncertain significance. Review status: criteria provided, multiple submitters, no conflicts (2 of 4 stars). 2 submissions from 2 submitters: Uncertain significance (2). Last evaluated 2024-12-02.

Allele frequency attached by ClinVar (database versions not stated): gnomAD 0.00001; TOPMed 0.00003.
gnomAD v4.1: 1 of 1,612,000 alleles (0.000062%); highest among the groups gnomAD compares: African/African-American, 0.0013%; no homozygotes.

Submissions (2):

GeneDx
Classification: Uncertain significance. Last evaluated: 2024-12-02. Review status: criteria provided, single submitter. Criteria: GeneDx Variant Classification Process June 2021. Collection method: clinical testing. Allele origin: germline. Affected: yes.
Comment: Not observed at significant frequency in large population cohorts (gnomAD); In silico analysis indicates that this missense variant does not alter protein structure/function; Has not been previously published as pathogenic or benign to our knowledge

Labcorp Genetics (formerly Invitae), Labcorp
Classification: Uncertain significance. Last evaluated: 2022-06-13. Review status: criteria provided, single submitter. Criteria: Invitae Variant Classification Sherloc (09022015). Collection method: clinical testing. Allele origin: germline.
Comment: This sequence change replaces leucine, which is neutral and non-polar, with valine, which is neutral and non-polar, at codon 3 of the ELOVL4 protein (p.Leu3Val). This variant is not present in population databases (gnomAD no frequency). This variant has not been reported in the literature in individuals affected with ELOVL4-related conditions. Algorithms developed to predict the effect of missense changes on protein structure and function (SIFT, PolyPhen-2, Align-GVGD) all suggest that this variant is likely to be tolerated. In summary, the available evidence is currently insufficient to determine the role of this variant in disease. Therefore, it has been classified as a Variant of Uncertain Significance.